The following is an entry in ClinVar:

NM_000153.4(GALC):c.1566C>A (p.Asp522Glu)

Gene: GALC (galactosylceramidase; minus strand). Cytogenetic location: 14q31.3.
Variant type: single nucleotide variant.
Coding change: c.1566C>A on transcript NM_000153.4 (MANE Select); coding-DNA position 1566, C replaced by A.
Protein change: p.Asp522Glu; replaces aspartic acid 522 with glutamic acid.
Molecular consequence: missense variant.
Genome position (GRCh38, 1-based): chr14:87,945,657, G>T on the plus strand (C>A on the coding strand, the complement: GALC is on the minus strand). VCF-style: chr14-87945657-G-T. GRCh37 (hg19) VCF-style: chr14-88412001-G-T.
Other names: c.1218C>A, p.Asp406Glu (NM_001424075.1, NM_001424074.1); c.933C>A, p.Asp311Glu (NM_001424076.1, NM_001424077.1); c.1497C>A, p.Asp499Glu (NM_001201401.2); c.1488C>A, p.Asp496Glu (NM_001201402.2); c.1398C>A, p.Asp466Glu (NM_001424071.1, NM_001424072.1, NM_001424073.1); short protein forms D406E, D466E, D311E, D496E, D499E, D522E.
Identifiers: ClinVar variation 4751079 (VCV004751079.1).
Genomic context (GRCh38, chr14:87,945,657, plus strand): 5'-AGCCCATGTAATGGGTCTCTGGTTGAGAACTTGGCGTAGCGTGAAGTGATGCTCGCCAGG[G>T]TCTTCAATATTTGTAAAATATTCAAATACACCAGTTTGATCAGCAAAGTTTGGAGCTTCA-3'
Protein context (NP_000144.2, residues 512-532): GVFEYFTNIE[Asp522Glu]PGEHHFTLRQ

ClinVar aggregate classification (germline): Uncertain significance (1 of 4 stars; one submission).

Conditions:
Galactosylceramide beta-galactosidase deficiency. Also called: Leukodystrophy, Globoid Cell; Krabbe Disease; GALACTOCEREBROSIDASE DEFICIENCY; GALC DEFICIENCY; GLOBOID CELL LEUKOENCEPHALOPATHY. Identifiers: Orphanet 487, MedGen C0023521, MONDO:0009499, OMIM 245200.

gnomAD v4.1: 13 of 1,611,282 alleles (0.00081%); highest among the groups gnomAD compares: African/African-American, 0.0027%; no homozygotes.

Submission:

Labcorp Genetics (formerly Invitae), Labcorp
Classification: Uncertain significance for Galactosylceramide beta-galactosidase deficiency. Last evaluated: 2025-07-07. Review status: criteria provided, single submitter. Criteria: Invitae Variant Classification Sherloc (09022015). Collection method: clinical testing. Allele origin: germline.
Comment: This sequence change replaces aspartic acid, which is acidic and polar, with glutamic acid, which is acidic and polar, at codon 522 of the GALC protein (p.Asp522Glu). This variant is present in population databases (rs758827171, gnomAD 0.008%). This variant has not been reported in the literature in individuals affected with GALC-related conditions. Invitae Evidence Modeling of protein sequence and biophysical properties (such as structural, functional, and spatial information, amino acid conservation, physicochemical variation, residue mobility, and thermodynamic stability) has been performed for this missense variant. However, the output from this modeling did not meet the statistical confidence thresholds required to predict the impact of this variant on GALC protein function. In summary, the available evidence is currently insufficient to determine the role of this variant in disease. Therefore, it has been classified as a Variant of Uncertain Significance.